The following is an entry in ClinVar:

ClinVar aggregate classification (germline): Uncertain significance. Review status: criteria provided, multiple submitters, no conflicts (2 of 4 stars). 10 submissions from 10 submitters: Uncertain significance (8). 2 of the submissions do not count toward it. Last evaluated 2025-06-26.

Conditions:
Hereditary breast ovarian cancer syndrome. Also called: Hereditary breast and ovarian cancer syndrome; Hereditary breast and/or ovarian cancer syndrome; BRCA1- and BRCA2-Associated Hereditary Breast and Ovarian Cancer; Hereditary breast and ovarian cancer syndrome (HBOC); Hereditary breast and ovarian cancer; Breast and ovarian cancer. Identifiers: Orphanet 145, MedGen C0677776, MeSH D061325, MONDO:0003582. Disease mechanism: loss of function.
Ataxia-telangiectasia syndrome (AT). Also called: Ataxia telangiectasia (A-T); LOUIS-BAR SYNDROME; Cerebello-oculocutaneous telangiectasia; Immunodeficiency with ataxia telangiectasia; Ataxia-telangiectasia, complementation group D; AT, COMPLEMENTATION GROUP C. Identifiers: Orphanet 100, MedGen C0004135, MONDO:0008840, OMIM 208900.
Malignant tumor of breast. Also called: Cancer breast; Malignant breast neoplasm. Identifiers: MedGen C0006142, MONDO:0007254. Disease mechanism: loss of function.
Hereditary cancer-predisposing syndrome. Also called: Hereditary neoplastic syndrome; Neoplastic Syndromes, Hereditary; Tumor predisposition; Hereditary Cancer Syndrome. Identifiers: Orphanet 140162, MedGen C0027672, MeSH D009386, MONDO:0015356.

Allele frequency attached by ClinVar (database versions not stated): gnomAD 0.00001; TOPMed 0.00001; ExAC 0.00002; gnomAD exomes 0.00002.
gnomAD v4.1: 18 of 1,480,666 alleles (0.0012%); highest among the groups gnomAD compares: East Asian, 0.0045%; no homozygotes.

Submissions (10):

Quest Diagnostics Nichols Institute San Juan Capistrano
Classification: Uncertain significance. Last evaluated: 2025-06-26. Review status: criteria provided, single submitter. Criteria: Quest Diagnostics criteria. Collection method: clinical testing. Allele origin: unknown.

Color Diagnostics, LLC DBA Color Health
Classification: Uncertain significance for Hereditary cancer-predisposing syndrome. Last evaluated: 2024-03-20. Review status: criteria provided, single submitter. Criteria: ACMG Guidelines, 2015. Collection method: clinical testing. Allele origin: germline.
Comment: This missense variant replaces tyrosine with cysteine at codon 1248 of the ATM protein. Computational prediction is inconclusive regarding the impact of this variant on protein structure and function. To our knowledge, functional studies have not been reported for this variant. This variant has been reported in individuals affected with breast cancer or ovarian cancer (PMID: 31871109, 32885271). This variant has been identified in 4/241596 chromosomes in the general population by the Genome Aggregation Database (gnomAD). The available evidence is insufficient to determine the role of this variant in disease conclusively. Therefore, this variant is classified as a Variant of Uncertain Significance.

Ambry Genetics
Classification: Uncertain significance for Hereditary cancer-predisposing syndrome. Last evaluated: 2024-03-15. Review status: criteria provided, single submitter. Criteria: Ambry Variant Classification Scheme 2023. Collection method: clinical testing. Allele origin: germline.
Comment: The p.Y1248C variant (also known as c.3743A>G), located in coding exon 24 of the ATM gene, results from an A to G substitution at nucleotide position 3743. The tyrosine at codon 1248 is replaced by cysteine, an amino acid with highly dissimilar properties. This variant was also observed in 2/3251 individuals who met eligibility criteria for hereditary breast and ovarian cancer syndrome (Lerner-Ellis J et al. J Cancer Res Clin Oncol, 2021 Mar;147:871-879). This amino acid position is highly conserved in available vertebrate species. In addition, this alteration is predicted to be deleterious by in silico analysis. Based on the available evidence, the clinical significance of this alteration remains unclear.

Labcorp Genetics (formerly Invitae), Labcorp
Classification: Uncertain significance for Ataxia-telangiectasia syndrome. Last evaluated: 2024-03-14. Review status: criteria provided, single submitter. Criteria: Invitae Variant Classification Sherloc (09022015). Collection method: clinical testing. Allele origin: germline.
Comment: This sequence change replaces tyrosine, which is neutral and polar, with cysteine, which is neutral and slightly polar, at codon 1248 of the ATM protein (p.Tyr1248Cys). This variant is present in population databases (rs766226370, gnomAD 0.003%). This missense change has been observed in individual(s) with breast cancer (PMID: 31871109). ClinVar contains an entry for this variant (Variation ID: 407541). An algorithm developed to predict the effect of missense changes on protein structure and function (PolyPhen-2) suggests that this variant is likely to be disruptive. In summary, the available evidence is currently insufficient to determine the role of this variant in disease. Therefore, it has been classified as a Variant of Uncertain Significance.

Women's Health and Genetics/Laboratory Corporation of America, LabCorp
Classification: Uncertain significance. Last evaluated: 2023-04-26. Review status: criteria provided, single submitter. Criteria: LabCorp Variant Classification Summary - May 2015. Collection method: clinical testing. Allele origin: germline.
Comment: Variant summary: ATM c.3743A>G (p.Tyr1248Cys) results in a non-conservative amino acid change in the encoded protein sequence. Four of five in-silico tools predict a damaging effect of the variant on protein function. The variant allele was found at a frequency of 1.7e-05 in 241596 control chromosomes (gnomAD). The available data on variant occurrences in the general population are insufficient to allow any conclusion about variant significance. c.3743A>G has been reported in the literature in individuals affected with breast cancer (e.g. Adedokun_2020). This report does not provide unequivocal conclusions about association of the variant with Ataxia-Telangiectasia. To our knowledge, no experimental evidence demonstrating an impact on protein function has been reported. The following publication has been ascertained in the context of this evaluation (PMID: 31871109). Seven ClinVar submitters have assessed the variant since 2014: all seven classified the variant as uncertain significance. Based on the evidence outlined above, the variant was classified as uncertain significance.

GeneDx
Classification: Uncertain significance. Last evaluated: 2022-08-03. Review status: criteria provided, single submitter. Criteria: GeneDx Variant Classification Process June 2021. Collection method: clinical testing. Allele origin: germline. Affected: yes.
Comment: Not observed at significant frequency in large population cohorts (gnomAD); In silico analysis supports that this missense variant has a deleterious effect on protein structure/function; Observed in an individual with breast cancer (Adedokun et al., 2020); This variant is associated with the following publications: (PMID: 31871109)

Sema4
Classification: Uncertain significance for Hereditary cancer-predisposing syndrome. Last evaluated: 2022-01-21. Review status: criteria provided, single submitter. Criteria: Sema4 Curation Guidelines. Collection method: curation. Allele origin: germline.
Comment: The ATM c.3743A>G (p.Y1248C) variant has been reported in heterozygosity in at least one individual with breast cancer (PMID: 31871109). It was observed in 4/241596 chromosomes across the broad and large cohorts in the Genome Aggregation Database (PMID: 32461654). This variant has been reported in ClinVar (Variation ID: 407541). Functional studies have not been performed, and in silico predictions of the variant's effect on protein function are inconclusive. The evidence is insufficient to meet ACMG/AMP criteria for classifying the variant as benign or pathogenic. Thus, the clinical significance of this variant is currently uncertain.

Pittsburgh Clinical Genomics Laboratory, University of Pittsburgh Medical Center
Classification: Uncertain significance for Hereditary Breast and Ovarian Cancer Syndrome. Last evaluated: 2018-08-02. Review status: criteria provided, single submitter. Criteria: ACMG Guidelines, 2015. Collection method: clinical testing. Allele origin: germline. Affected: yes. Observed: 1 variant allele.
Comment: This sequence variant is a single nucleotide substitution (A>G) that results in a tyrosine to cysteine amino acid change at residue 1248 of the ATM protein. This is a previously reported (ClinVar), rare variant which has been observed in the ExAC population database at a frequency of 0.00001885 (2/106078 alleles). The protein change does not lie in any known functional domain of the ATM protein. Tyrosine at position 1248 of the ATM protein is highly conserved, being present in 61/62 mammalian species examined. Multiple computational tools queried predict that this protein change is likely damaging to protein structure and/or function; however, no functional studies have been performed to confirm these predictions, to our knowledge. Due to the lack of sufficient information available at this time, it is not possible to determine if this is a benign or pathogenic variant. Thus, we consider it to be a variant of uncertain significance.

Natera, Inc.
Classification: Uncertain significance for Ataxia-telangiectasia. Last evaluated: 2020-01-23. Review status: no assertion criteria provided. Collection method: clinical testing. Allele origin: germline. Not counted in ClinVar's aggregate classification.

Department of Pathology and Laboratory Medicine, Sinai Health System
Classification: Uncertain significance for Malignant tumor of breast. Review status: no assertion criteria provided. Collection method: clinical testing. Allele origin: unknown. Affected: yes. Observed: 1 variant allele. Study: The Canadian Open Genetics Repository (COGR). Not counted in ClinVar's aggregate classification.
Comment: The ATM p.Tyr1248Cys variant was not identified in the literature nor was it identified in the COGR, MutDB, or LOVD 3.0. The variant was identified in dbSNP (ID: rs766226370) â€šÃ„ÃºWith Uncertain significance alleleâ€šÃ„Ã¹, ClinVar (classified uncertain significance by Invitae, GeneDx and Ambry Genetics), Clinvitae (3x), Cosmic (1x in adenocarcinoma of the lung), and in control databases in 4 of 237230 chromosomes at a frequency of 0.00002 (Genome Aggregation Database Feb 27, 2017). It was observed in the following populations: European Non-Finnish in 3 of 107958 chromosomes (freq: 0.00003) and South Asian in 1 of 29574 chromosomes (freq: 0.00003); it was not observed in the African, Other, Latino, Ashkenazi Jewish, East Asian and European Finnish populations. The p.Tyr1248 residue is conserved in mammals and 5 of 5 computational analyses (PolyPhen-2, SIFT, AlignGVGD, BLOSUM, MutationTaster) suggest that the Tyr variant may impact the protein; however, this information is not predictive enough to assume pathogenicity. The variant occurs outside of the splicing consensus sequence and 2 of 5 in silico or computational prediction software programs (SpliceSiteFinder, MaxEntScan, NNSPLICE, GeneSplicer, HumanSpliceFinder) predict a greater than 10% difference in splicing; this is not very predictive of pathogenicity. In summary, based on the above information the clinical significance of this variant cannot be determined with certainty at this time. This variant is classified as a variant of uncertain significance.

Literature cited by the submitters: PubMed 31871109 (cited by 4 submitters); PubMed 32885271 (cited by Color Diagnostics, LLC DBA Color Health and Ambry Genetics).

NM_000051.4(ATM):c.3743A>G (p.Tyr1248Cys)

Gene: ATM (ATM serine/threonine kinase; plus strand). Cytogenetic location: 11q22.3.
Variant type: single nucleotide variant.
Coding change: c.3743A>G on transcript NM_000051.4 (MANE Select); coding-DNA position 3743, A replaced by G.
Protein change: p.Tyr1248Cys; replaces tyrosine 1248 with cysteine.
Molecular consequence: missense variant.
Genome position (GRCh38, 1-based): chr11:108,282,876, A>G. VCF-style: chr11-108282876-A-G. GRCh37 (hg19) VCF-style: chr11-108153603-A-G.
Other names: c.3743A>G, p.Tyr1248Cys (NM_001351834.2); short protein forms Y1248C.
Identifiers: ClinVar variation 407541 (VCV000407541.30), dbSNP rs766226370, ClinGen allele CA6265338.
Genomic context (GRCh38, chr11:108,282,876, plus strand): 5'-AATACAACTTATCTTCTTTTCCTTTTATTTTATTAAACTACACAAATATTGAGGATTTCT[A>G]TAGGTAAGTTTATACATGACATATGTGAAATTTGTTTAATTTAAAATTAGTTAACAATAC-3'
Protein context (NP_000042.3, residues 1238-1258): LLNYTNIEDF[Tyr1248Cys]RSCYKVLIPH